The following is an entry in ClinVar:

ClinVar aggregate classification (germline): Uncertain significance (1 of 4 stars; one submission).

Submission:

GeneDx
Classification: Uncertain significance. Last evaluated: 2025-06-18. Review status: criteria provided, single submitter. Criteria: GeneDx Variant Classification Process June 2021. Collection method: clinical testing. Allele origin: germline. Affected: yes.
Comment: Not observed at significant frequency in large population cohorts (gnomAD); In silico analysis supports that this missense variant has a deleterious effect on protein structure/function; Has not been previously published as pathogenic or benign to our knowledge

NM_001348323.3(TRIP12):c.1823C>A (p.Ala608Glu)

Gene: TRIP12 (thyroid hormone receptor interactor 12; minus strand). Cytogenetic location: 2q36.3.
Variant type: single nucleotide variant.
Coding change: c.1823C>A on transcript NM_001348323.3 (MANE Select); coding-DNA position 1823, C replaced by A.
Protein change: p.Ala608Glu; replaces alanine 608 with glutamic acid.
Molecular consequence: missense variant.
Genome position (GRCh38, 1-based): chr2:229,814,234, G>T on the plus strand (C>A on the coding strand, the complement: TRIP12 is on the minus strand). VCF-style: chr2-229814234-G-T. GRCh37 (hg19) VCF-style: chr2-230678950-G-T.
Other names: c.1823C>A, p.Ala608Glu (NM_001284214.2, NM_001348315.2, NM_001348319.1 and 11 more transcripts); c.1697C>A, p.Ala566Glu (NM_001284215.2, NM_001348316.2, NM_001348317.1 and 2 more transcripts); c.788C>A, p.Ala263Glu (NM_001284216.2); c.1736C>A, p.Ala579Glu (NM_001348332.1); c.1679C>A, p.Ala560Glu (NM_004238.3); short protein forms A263E, A560E, A566E, A579E, A608E.
Identifiers: ClinVar variation 4538794 (VCV004538794.1).
Genomic context (GRCh38, chr2:229,814,234, plus strand): 5'-GTGGATTTTAAAAATTCTACATAAAGTGAAATGTAGTCCCCTTCAGTAACAACACTTACC[G>T]CCTGTAGAATGGCTTTACTATGTCTCCGTGACAACATCTCCAAGGCAGTCAAGGCCTGCT-3'
Protein context (NP_001335252.1, residues 598-618): SRRHSKAILQ[Ala608Glu]GGLADCLLYL